The following is an entry in ClinVar:

NM_000489.6(ATRX):c.1702A>G (p.Lys568Glu)

Gene: ATRX (ATRX chromatin remodeler; minus strand). Cytogenetic location: Xq21.1.
Variant type: single nucleotide variant.
Coding change: c.1702A>G on transcript NM_000489.6 (MANE Select); coding-DNA position 1702, A replaced by G.
Protein change: p.Lys568Glu; replaces lysine 568 with glutamic acid.
Molecular consequence: missense variant.
Genome position (GRCh38, 1-based): chrX:77,683,554, T>C on the plus strand (A>G on the coding strand, the complement: ATRX is on the minus strand). VCF-style: chrX-77683554-T-C. GRCh37 (hg19) VCF-style: chrX-76939046-T-C.
Other names: c.1588A>G, p.Lys530Glu (NM_138270.5); short protein forms K530E, K568E.
Identifiers: ClinVar variation 1954593 (VCV001954593.2), dbSNP rs2148616635, ClinGen allele CA413716867.

ClinVar aggregate classification (germline): Uncertain significance (1 of 4 stars; one submission).

Conditions:
Alpha thalassemia-X-linked intellectual disability syndrome (ATRX). Also called: ALPHA-THALASSEMIA/MENTAL RETARDATION SYNDROME, X-LINKED; ATR, NONDELETION TYPE; ATR-X syndrome; Alpha thalassemia mental retardation syndrome, nondeletion type, X-linked; XLMR hypotonic face syndrome; X-linked alpha-thalassemia-mental retardation syndrome. Identifiers: Orphanet 847, MedGen C1845055, MONDO:0010519, OMIM 301040.

Submission:

Labcorp Genetics (formerly Invitae), Labcorp
Classification: Uncertain significance for Alpha thalassemia-X-linked intellectual disability syndrome. Last evaluated: 2022-02-25. Review status: criteria provided, single submitter. Criteria: Invitae Variant Classification Sherloc (09022015). Collection method: clinical testing. Allele origin: germline.
Comment: This sequence change replaces lysine, which is basic and polar, with glutamic acid, which is acidic and polar, at codon 568 of the ATRX protein (p.Lys568Glu). This variant is not present in population databases (gnomAD no frequency). This variant has not been reported in the literature in individuals affected with ATRX-related conditions. Advanced modeling of protein sequence and biophysical properties (such as structural, functional, and spatial information, amino acid conservation, physicochemical variation, residue mobility, and thermodynamic stability) performed at Invitae indicates that this missense variant is not expected to disrupt ATRX protein function. In summary, the available evidence is currently insufficient to determine the role of this variant in disease. Therefore, it has been classified as a Variant of Uncertain Significance.